The following is an entry in ClinVar:

NM_000216.4(ANOS1):c.3G>A (p.Met1Ile)

Gene: ANOS1 (anosmin 1; minus strand). Cytogenetic location: Xp22.31.
Variant type: single nucleotide variant.
Coding change: c.3G>A on transcript NM_000216.4 (MANE Select); coding-DNA position 3, G replaced by A.
Protein change: p.Met1Ile; changes the start codon (methionine 1).
Molecular consequence: missense variant, initiator codon variant.
Genome position (GRCh38, 1-based): chrX:8,732,034, C>T on the plus strand (G>A on the coding strand, the complement: ANOS1 is on the minus strand). VCF-style: chrX-8732034-C-T. GRCh37 (hg19) VCF-style: chrX-8700075-C-T.
Other names: short protein forms M1I.
Identifiers: ClinVar variation 430254 (VCV000430254.3), dbSNP rs1131691863, ClinGen allele CA412024735.

ClinVar aggregate classification (germline): Pathogenic (1 of 4 stars; one submission).

Submission:

GeneDx
Classification: Pathogenic. Last evaluated: 2017-06-28. Review status: criteria provided, single submitter. Criteria: GeneDx Variant Classification (06012015). Collection method: clinical testing. Allele origin: germline. Affected: yes.
Comment: The variant alters the initiator Methionine codon, and the resultant protein would be described as p.Met1? using a question mark to signify that it is not known if the loss of Met1 means that all protein translation is completely prevented or if an abnormal protein is produced using an alternate Met. This region of the KAL1 gene has low coverage in the ExAC dataset; however, this variant is not observed in other large populations cohorts and has not been detected in presumably healthy individuals tested at GeneDx (Lek et al., 2016; the 1000 Genomes Project; Exome Variant Server). In summary, we consider this variant to be pathogenic.